The following is an entry in ClinVar:

ClinVar aggregate classification (germline): Likely benign (1 of 4 stars; one submission).

Allele frequency attached by ClinVar (database versions not stated): gnomAD 0.00001; gnomAD exomes 0.00002; TOPMed 0.00002; ExAC 0.00005.
gnomAD v4.1: 31 of 1,608,860 alleles (0.0019%); highest among the groups gnomAD compares: Non-Finnish European, 0.0026%; no homozygotes.

Submission:

CeGaT Center for Human Genetics Tuebingen
Classification: Likely benign. Last evaluated: 2025-08-01. Review status: criteria provided, single submitter. Criteria: CeGaT Center For Human Genetics Tuebingen Variant Classification Criteria Version 2. Collection method: clinical testing. Allele origin: germline. Affected: yes. Observed: 2 variant alleles.
Comment: TANC2: BP4, BP7

NM_001394998.1(TANC2):c.4485C>T (p.Phe1495=)

Gene: TANC2 (tetratricopeptide repeat, ankyrin repeat and coiled-coil containing 2; plus strand). Cytogenetic location: 17q23.3.
Variant type: single nucleotide variant.
Coding change: c.4485C>T on transcript NM_001394998.1 (MANE Select); coding-DNA position 4485, C replaced by T.
Protein change: p.Phe1495=; no amino-acid change (phenylalanine 1495 retained).
Molecular consequence: synonymous variant.
Genome position (GRCh38, 1-based): chr17:63,420,215, C>T. VCF-style: chr17-63420215-C-T. GRCh37 (hg19) VCF-style: chr17-61497576-C-T.
Other names: c.4263C>T, p.Phe1421= (NM_001411076.1); c.4233C>T, p.Phe1411= (NM_025185.4).
Identifiers: ClinVar variation 2498722 (VCV002498722.28), dbSNP rs895010378, ClinGen allele CA8698253.